The following is an entry in ClinVar:

ClinVar aggregate classification (germline): Uncertain significance (1 of 4 stars; one submission).

Submission:

GeneDx
Classification: Uncertain significance. Last evaluated: 2025-07-23. Review status: criteria provided, single submitter. Criteria: GeneDx Variant Classification Process June 2021. Collection method: clinical testing. Allele origin: germline. Affected: yes.
Comment: Not observed at significant frequency in large population cohorts (gnomAD); In silico analysis supports that this missense variant has a deleterious effect on protein structure/function; Has not been previously published as pathogenic or benign to our knowledge

NM_015378.4(VPS13D):c.12941A>G (p.Lys4314Arg)

Gene: VPS13D (vacuolar protein sorting 13 homolog D; plus strand). Cytogenetic location: 1p36.21.
Variant type: single nucleotide variant.
Coding change: c.12941A>G on transcript NM_015378.4 (MANE Select); coding-DNA position 12941, A replaced by G.
Protein change: p.Lys4314Arg; replaces lysine 4314 with arginine.
Molecular consequence: missense variant.
Genome position (GRCh38, 1-based): chr1:12,506,999, A>G. VCF-style: chr1-12506999-A-G. GRCh37 (hg19) VCF-style: chr1-12567053-A-G.
Other names: c.12866A>G, p.Lys4289Arg (NM_018156.4); short protein forms K4289R, K4314R.
Identifiers: ClinVar variation 4686884 (VCV004686884.1).